The following is an entry in ClinVar:

ClinVar aggregate classification (germline): Uncertain significance. Review status: criteria provided, multiple submitters, no conflicts (2 of 4 stars). 3 submissions from 3 submitters: Uncertain significance (3). Last evaluated 2024-06-18.

Conditions:
Autosomal dominant osteopetrosis 1 (OPTA1). Also called: OSTEOPETROSIS, AUTOSOMAL DOMINANT, TYPE I. Identifiers: Orphanet 2783, MedGen C1843330, MONDO:0011877, OMIM 607634.
Bone mineral density quantitative trait locus 1 (BMND1). Identifiers: MedGen C1866079, OMIM 601884.
Exudative vitreoretinopathy 4 (EVR4). Identifiers: Orphanet 891, MedGen C1866176, MONDO:0011151, OMIM 601813.
Polycystic liver disease 4 with or without kidney cysts. Identifiers: MedGen C4693479, MONDO:0044327, OMIM 617875.
Osteoporosis with pseudoglioma (OPPG). Also called: osteoporosis-pseudoglioma syndrome. Identifiers: Orphanet 2788, MedGen C0432252, MONDO:0009820, OMIM 259770.
Worth disease. Also called: ENDOSTEAL HYPEROSTOSIS, AUTOSOMAL DOMINANT; OSTEOSCLEROSIS, AUTOSOMAL DOMINANT; Autosomal dominant osteosclerosis, Worth type. Identifiers: Orphanet 2790, MedGen C0432273, MONDO:0007764, OMIM 144750.

Submissions (3):

Fulgent Genetics
Classification: Uncertain significance for Worth disease; Osteoporosis with pseudoglioma; Exudative vitreoretinopathy 4; Bone mineral density quantitative trait locus 1; Autosomal dominant osteopetrosis 1; Polycystic liver disease 4 with or without kidney cysts. Last evaluated: 2024-06-18. Review status: criteria provided, single submitter. Criteria: ACMG Guidelines, 2015. Collection method: clinical testing. Allele origin: germline.

Labcorp Genetics (formerly Invitae), Labcorp
Classification: Uncertain significance. Last evaluated: 2024-01-16. Review status: criteria provided, single submitter. Criteria: Invitae Variant Classification Sherloc (09022015). Collection method: clinical testing. Allele origin: germline.
Comment: This sequence change replaces threonine, which is neutral and polar, with alanine, which is neutral and non-polar, at codon 933 of the LRP5 protein (p.Thr933Ala). This variant is not present in population databases (gnomAD no frequency). This variant has not been reported in the literature in individuals affected with LRP5-related conditions. ClinVar contains an entry for this variant (Variation ID: 2128232). Advanced modeling of protein sequence and biophysical properties (such as structural, functional, and spatial information, amino acid conservation, physicochemical variation, residue mobility, and thermodynamic stability) performed at Invitae indicates that this missense variant is not expected to disrupt LRP5 protein function with a negative predictive value of 95%. In summary, the available evidence is currently insufficient to determine the role of this variant in disease. Therefore, it has been classified as a Variant of Uncertain Significance.

Blueprint Genetics
Classification: Uncertain significance. Last evaluated: 2023-05-24. Review status: criteria provided, single submitter. Criteria: ACMG Guidelines, 2015. Collection method: clinical testing. Allele origin: germline.

NM_002335.4(LRP5):c.2797A>G (p.Thr933Ala)

Gene: LRP5 (LDL receptor related protein 5; plus strand). Cytogenetic location: 11q13.2.
Variant type: single nucleotide variant.
Coding change: c.2797A>G on transcript NM_002335.4 (MANE Select); coding-DNA position 2797, A replaced by G.
Protein change: p.Thr933Ala; replaces threonine 933 with alanine.
Molecular consequence: missense variant.
Genome position (GRCh38, 1-based): chr11:68,413,982, A>G. VCF-style: chr11-68413982-A-G. GRCh37 (hg19) VCF-style: chr11-68181450-A-G.
Other names: c.1054A>G, p.Thr352Ala (NM_001291902.2); short protein forms T352A, T933A.
Identifiers: ClinVar variation 2128232 (VCV002128232.6), dbSNP rs756401189, ClinGen allele CA381618970.